The following is an entry in ClinVar:

NM_007294.4(BRCA1):c.5429T>G (p.Val1810Gly)

Gene: BRCA1 (BRCA1 DNA repair associated; minus strand). Cytogenetic location: 17q21.31.
Variant type: single nucleotide variant.
Coding change: c.5429T>G on transcript NM_007294.4 (MANE Select); coding-DNA position 5429, T replaced by G.
Protein change: p.Val1810Gly; replaces valine 1810 with glycine.
Molecular consequence: missense variant. On other transcripts: non-coding transcript variant (1).
Genome position (GRCh38, 1-based): chr17:43,047,681, A>C on the plus strand (T>G on the coding strand, the complement: BRCA1 is on the minus strand). VCF-style: chr17-43047681-A-C. GRCh37 (hg19) VCF-style: chr17-41199698-A-C.
Other names: c.5300T>G, p.Val1767Gly (NM_001407682.1, NM_001407683.1, NM_001407684.1 and 6 more transcripts); c.5288T>G, p.Val1763Gly (NM_001407725.1, NM_001407726.1, NM_001407727.1 and 12 more transcripts); c.5285T>G, p.Val1762Gly (NM_001407732.1, NM_001407733.1, NM_001407744.1 and 18 more transcripts); c.5282T>G, p.Val1761Gly (NM_001407849.1, NM_001407850.1, NM_001407851.1 and 12 more transcripts); c.5355T>G, p.Cys1785Trp (NM_001407854.1); c.5352T>G, p.Cys1784Trp (NM_001407858.1, NM_001407859.1, NM_001407860.1); c.5219T>G, p.Val1740Gly (NM_001407886.1, NM_001407887.1, NM_001407889.1 and 5 more transcripts); c.5216T>G, p.Val1739Gly (NM_001407894.1, NM_001407895.1, NM_001407896.1 and 12 more transcripts); and 83 more; short protein forms V1810G, V1763G, V1831G, C681W, V706G, C1737W, C1742W, C1743W.
Identifiers: ClinVar variation 55576 (VCV000055576.9), dbSNP rs80357451, ClinGen allele CA003591.
Genomic context (GRCh38, chr17:43,047,681, plus strand): 5'-CAGGTACATGCAGGCACCTTACCATGGAAGCCATTGTCCTCTGTCCAGGCATCTGGCTGC[A>C]CAACCACAATTGGGTGGACACCCTGGATCCCCAGGAAGGAAAGAGCATTCAAAGTGTCAA-3'
Protein context (NP_009225.1, residues 1800-1820): LGTGVHPIVV[Val1810Gly]QPDAWTEDNG

ClinVar aggregate classification (germline): Uncertain significance. Review status: criteria provided, multiple submitters, no conflicts (2 of 4 stars). 5 submissions from 5 submitters: Uncertain significance (3). 2 of the submissions do not count toward it. Last evaluated 2026-06-17.

Conditions:
Hereditary cancer-predisposing syndrome. Also called: Neoplastic Syndromes, Hereditary; Hereditary neoplastic syndrome; Hereditary Cancer Syndrome; Tumor predisposition. Identifiers: Orphanet 140162, MedGen C0027672, MeSH D009386, MONDO:0015356.
Breast-ovarian cancer, familial, susceptibility to, 1 (BROVCA1). Also called: BRCA1 Hereditary Breast and Ovarian Cancer; OVARIAN CANCER, SUSCEPTIBILITY TO. Identifiers: Orphanet 145, MedGen C2676676, MONDO:0011450, OMIM 604370. Disease mechanism: loss of function.
Hereditary breast ovarian cancer syndrome. Also called: BRCA1- and BRCA2-Associated Hereditary Breast and Ovarian Cancer; Hereditary breast and ovarian cancer syndrome (HBOC); Hereditary breast and ovarian cancer syndrome; Hereditary breast and/or ovarian cancer syndrome; Breast and ovarian cancer; Hereditary breast and ovarian cancer. Identifiers: Orphanet 145, MedGen C0677776, MeSH D061325, MONDO:0003582. Disease mechanism: loss of function.
Malignant tumor of breast. Also called: Cancer breast; Malignant breast neoplasm. Identifiers: MedGen C0006142, MONDO:0007254. Disease mechanism: loss of function.

Submissions (6):

Ambry Genetics
Classification: Uncertain significance for Hereditary cancer-predisposing syndrome. Last evaluated: 2026-06-17. Review status: criteria provided, single submitter. Criteria: Ambry Variant Classification Scheme 2023. Collection method: clinical testing. Allele origin: germline.
Comment: The p.V1810G variant (also known as c.5429T>G), located in coding exon 21 of the BRCA1 gene, results from a T to G substitution at nucleotide position 5429. The valine at codon 1810 is replaced by glycine, an amino acid with dissimilar properties. One functional study found that this nucleotide substitution is non-functional in a high throughput genome editing haploid cell survival assay (Findlay GM et al. Nature, 2018 Oct;562:217-222). This amino acid position is highly conserved in available vertebrate species. In addition, this alteration is predicted to be tolerated by in silico analysis. Based on the available evidence, the clinical significance of this variant remains unclear.

German Consortium for Hereditary Breast and Ovarian Cancer, University Hospital Cologne
Classification: Uncertain significance for Hereditary breast ovarian cancer syndrome. Last evaluated: 2025-04-07. Review status: criteria provided, single submitter. Criteria: ClinGen BRCA1 V1.1.0. Collection method: curation. Allele origin: germline.
Comment: According to the ClinGen ENIGMA BRCA1 v1.1.0 criteria we chose these criteria: PM2 (supporting pathogenic): absent from gnomAD v4/3/2, BP4 (supporting benign): BayesDel no-AF = -0.2167 SpliceAI <=0.1; Based on evidence we decided that this criterion can not be selected: PS3 (strong pathogenic): Reported by three calibrated studies with discordant results.

Mendelics
Classification: Uncertain significance for Breast-ovarian cancer, familial, susceptibility to, 1. Last evaluated: 2019-05-28. Review status: criteria provided, single submitter. Criteria: Mendelics Assertion Criteria 2017. Collection method: clinical testing. Allele origin: unknown.

Breast Cancer Information Core (BIC) (BRCA1)
Classification: Uncertain significance for Breast-ovarian cancer, familial 1. Last evaluated: 1997-11-14. Review status: no assertion criteria provided. Collection method: clinical testing. Allele origin: germline. Affected: yes. Observed: 4 variant alleles. Not counted in ClinVar's aggregate classification.

Brotman Baty Institute, University of Washington
No classification provided (evidence only). Condition: Breast-ovarian cancer, familial 1. Review status: no classification provided. Collection method: in vitro. Allele origin: not applicable. Functional consequence: functionally_abnormal. Not counted in ClinVar's aggregate classification.
ClinVar note: "not provided" was previously submitted as the classification for the variant. However, the classification appeared to be based only on an observation of functional data so it was converted to no classification on 2025-07-30.

Department of Pathology and Laboratory Medicine, Sinai Health System
Classification: Uncertain significance for Malignant tumor of breast. Review status: no assertion criteria provided. Collection method: clinical testing. Allele origin: unknown. Affected: yes. Study: The Canadian Open Genetics Repository (COGR). Not counted in ClinVar's aggregate classification.
Comment: The BRCA1 p.Val1810Gly variant was identified in 1 of 1978 proband chromosomes (frequency: 0.0005) from individuals or families with breast or ovarian cancer (Meindl 2002). The variant was identified in dbSNP (rs80357451) as â€šÃ„Ãºwith uncertain significance alleleâ€šÃ„Ã¹, ClinVar (classified as uncertain significance by BIC), LOVD 3.0 (observed 3x) and UMD-LSDB (observed 1x). The variant was not identified in the following control databases: the Exome Aggregation Consortium (August 8th 2016) or the Genome Aggregation Database (Feb 27, 2017). In vitro expression of the variant had a demonstrable effect on BRCA1 transactivation activity but did not alter protein stability and binding; these discordant results led the authors to classify this variant as having an uncertain effect on protein function (Lee 2010). The p.Val1810 residue is conserved across mammals and other organisms, and 5 of 5 computational analyses (PolyPhen-2, SIFT, AlignGVGD, BLOSUM, MutationTaster) suggest that the variant may impact the protein; however, this information is not predictive enough to assume pathogenicity. The variant occurs outside of the splicing consensus sequence and 1 of 4 in silico or computational prediction software programs (SpliceSiteFinder, MaxEntScan, NNSPLICE, GeneSplicer) predict a greater than 10% difference in splicing; this is not very predictive of pathogenicity. In summary, based on the above information, the clinical significance of this variant cannot be determined with certainty at this time. This variant is classified as a variant of uncertain significance.

Literature cited by the submitters: PubMed 30209399 (cited by Ambry Genetics).